The following is an entry in ClinVar:

ClinVar aggregate classification (germline): Uncertain significance (1 of 4 stars; one submission).

Conditions:
MEGF10-related myopathy (CMYO10A). Also called: Congenital myopathy 10A, severe variant. Identifiers: Orphanet 439212, MedGen C3280679, MONDO:0013731, OMIM 614399.

Allele frequency attached by ClinVar (database versions not stated): gnomAD exomes 0.00002.
gnomAD v4.1: 32 of 1,613,746 alleles (0.002%); highest among the groups gnomAD compares: Non-Finnish European, 0.0026%; no homozygotes.

Submission:

Labcorp Genetics (formerly Invitae), Labcorp
Classification: Uncertain significance for MEGF10-related myopathy. Last evaluated: 2022-03-17. Review status: criteria provided, single submitter. Criteria: Invitae Variant Classification Sherloc (09022015). Collection method: clinical testing. Allele origin: germline.
Comment: This sequence change affects a donor splice site in intron 25 of the MEGF10 gene. While this variant is not anticipated to result in nonsense mediated decay, it likely alters RNA splicing and results in a disrupted protein product. This variant is not present in population databases (gnomAD no frequency). This variant has not been reported in the literature in individuals affected with MEGF10-related conditions. Variants that disrupt the consensus splice site are a relatively common cause of aberrant splicing (PMID: 17576681, 9536098). Algorithms developed to predict the effect of sequence changes on RNA splicing suggest that this variant may disrupt the consensus splice site. In summary, the available evidence is currently insufficient to determine the role of this variant in disease. Therefore, it has been classified as a Variant of Uncertain Significance.

Literature cited by the submitters: PubMed 17576681; PubMed 9536098.

NM_001256545.2(MEGF10):c.3232+1G>A

Gene: MEGF10 (multiple EGF like domains 10; plus strand). Cytogenetic location: 5q23.2.
Variant type: single nucleotide variant.
Coding change: c.3232+1G>A on transcript NM_001256545.2 (MANE Select); the canonical splice donor site of the intron after coding-DNA position 3232, G replaced by A.
Molecular consequence: splice donor variant.
Genome position (GRCh38, 1-based): chr5:127,455,608, G>A. VCF-style: chr5-127455608-G-A. GRCh37 (hg19) VCF-style: chr5-126791300-G-A.
Other names: c.3232+1G>A (NM_032446.3).
Identifiers: ClinVar variation 2421753 (VCV002421753.11), dbSNP rs2479815410, ClinGen allele CA360717938.